The following is an entry in ClinVar:

ClinVar aggregate classification (germline): Uncertain significance. Review status: criteria provided, multiple submitters, no conflicts (2 of 4 stars). 2 submissions from 2 submitters: Uncertain significance (2). Last evaluated 2024-04-01.

Conditions:
Inborn genetic diseases. Identifiers: MedGen C0950123, MeSH D030342.

Allele frequency attached by ClinVar (database versions not stated): gnomAD 0.00003; gnomAD exomes 0.00005; ExAC 0.00009.
gnomAD v4.1: 37 of 1,594,384 alleles (0.0023%); highest among the groups gnomAD compares: East Asian, 0.0022%; no homozygotes.

Submissions (2):

Ambry Genetics
Classification: Uncertain significance for Inborn genetic diseases. Last evaluated: 2024-04-01. Review status: criteria provided, single submitter. Criteria: Ambry Variant Classification Scheme 2023. Collection method: clinical testing. Allele origin: germline.

Labcorp Genetics (formerly Invitae), Labcorp
Classification: Uncertain significance. Last evaluated: 2024-02-24. Review status: criteria provided, single submitter. Criteria: Invitae Variant Classification Sherloc (09022015). Collection method: clinical testing. Allele origin: germline.
Comment: This sequence change replaces arginine, which is basic and polar, with histidine, which is basic and polar, at codon 25 of the ORC4 protein (p.Arg25His). This variant is present in population databases (rs769092004, gnomAD 0.007%). This variant has not been reported in the literature in individuals affected with ORC4-related conditions. ClinVar contains an entry for this variant (Variation ID: 1392862). An algorithm developed to predict the effect of missense changes on protein structure and function (PolyPhen-2) suggests that this variant is likely to be disruptive. In summary, the available evidence is currently insufficient to determine the role of this variant in disease. Therefore, it has been classified as a Variant of Uncertain Significance.

NM_181741.4(ORC4):c.74G>A (p.Arg25His)

Gene: ORC4 (origin recognition complex subunit 4; minus strand). Cytogenetic location: 2q23.1.
Variant type: single nucleotide variant.
Coding change: c.74G>A on transcript NM_181741.4 (MANE Select); coding-DNA position 74, G replaced by A.
Protein change: p.Arg25His; replaces arginine 25 with histidine.
Molecular consequence: missense variant. On other transcripts: 5 prime UTR variant (2), intron variant (1).
Genome position (GRCh38, 1-based): chr2:147,973,508, C>T on the plus strand (G>A on the coding strand, the complement: ORC4 is on the minus strand). VCF-style: chr2-147973508-C-T. GRCh37 (hg19) VCF-style: chr2-148731077-C-T.
Other names: c.74G>A, p.Arg25His (NM_001190879.3, NM_001374270.1, NM_002552.5 and 1 more transcripts); c.-149G>A (NM_001190882.3); c.-244G>A (NM_001374272.1); c.-27-14642G>A (NM_001190881.3); short protein forms R25H.
Identifiers: ClinVar variation 1392862 (VCV001392862.9), dbSNP rs769092004, ClinGen allele CA1899737.
Genomic context (GRCh38, chr2:147,973,508, plus strand): 5'-TTGTATTGTACTTGCACTCCAAATAGGTTACTATGTGGACTCTGACGACAAAATCTTTCA[C>T]GTAAAATTCTTTGTACCTGATGAAAATAAAGTGAATAAATATAAATAAAAATATTACACA-3'
Protein context (NP_859525.1, residues 15-35): ECLSQVQRIL[Arg25His]ERFCRQSPHS